The following is an entry in ClinVar:

NM_000815.5(GABRD):c.1195G>A (p.Gly399Arg)

Gene: GABRD (gamma-aminobutyric acid type A receptor subunit delta; plus strand). Cytogenetic location: 1p36.33.
Variant type: single nucleotide variant.
Coding change: c.1195G>A on transcript NM_000815.5 (MANE Select); coding-DNA position 1195, G replaced by A.
Protein change: p.Gly399Arg; replaces glycine 399 with arginine.
Molecular consequence: missense variant.
Genome position (GRCh38, 1-based): chr1:2,030,118, G>A. VCF-style: chr1-2030118-G-A. GRCh37 (hg19) VCF-style: chr1-1961557-G-A.
Other names: short protein forms G399R.
Identifiers: ClinVar variation 649980 (VCV000649980.8), dbSNP rs1571033517, ClinGen allele CA337960741.

ClinVar aggregate classification (germline): Uncertain significance (1 of 4 stars; one submission).

Conditions:
Idiopathic generalized epilepsy. Also called: EIG; Generalised epilepsy. Identifiers: MedGen C0270850, MONDO:0005579, OMIM 600669.

Submission:

Labcorp Genetics (formerly Invitae), Labcorp
Classification: Uncertain significance for Idiopathic generalized epilepsy. Last evaluated: 2018-12-17. Review status: criteria provided, single submitter. Criteria: Invitae Variant Classification Sherloc (09022015). Collection method: clinical testing. Allele origin: germline.
Comment: In summary, the available evidence is currently insufficient to determine the role of this variant in disease. Therefore, it has been classified as a Variant of Uncertain Significance. Algorithms developed to predict the effect of missense changes on protein structure and function are either unavailable or do not agree on the potential impact of this missense change (SIFT: "Deleterious"; PolyPhen-2: "Benign"; Align-GVGD: "Class C0"). This variant has not been reported in the literature in individuals with GABRD-related conditions. This variant is not present in population databases (ExAC no frequency). This sequence change replaces glycine with arginine at codon 399 of the GABRD protein (p.Gly399Arg). The glycine residue is moderately conserved and there is a moderate physicochemical difference between glycine and arginine.